The following is an entry in ClinVar:

NM_178822.5(IGSF10):c.3586A>G (p.Thr1196Ala)

Gene: IGSF10 (immunoglobulin superfamily member 10; minus strand). Cytogenetic location: 3q25.1.
Variant type: single nucleotide variant.
Coding change: c.3586A>G on transcript NM_178822.5 (MANE Select); coding-DNA position 3586, A replaced by G.
Protein change: p.Thr1196Ala; replaces threonine 1196 with alanine.
Molecular consequence: missense variant.
Genome position (GRCh38, 1-based): chr3:151,446,395, T>C on the plus strand (A>G on the coding strand, the complement: IGSF10 is on the minus strand). VCF-style: chr3-151446395-T-C. GRCh37 (hg19) VCF-style: chr3-151164183-T-C.
Other names: c.3586A>G, p.Thr1196Ala (NM_001385060.1, NM_001385061.1, NM_001385062.1 and 1 more transcripts); short protein forms T1196A.
Identifiers: ClinVar variation 4678238 (VCV004678238.2).
Genomic context (GRCh38, chr3:151,446,395, plus strand): 5'-TTGGGTTATGGTTATTTACAAAGTTCTGTTGCCAGGGAATTTTCCTTCTTGAAAACCTTG[T>C]AATGGCTATAATAGTCATTGGTGGCTTGGTGATAGCACCTGAAAGTGACGATGTAATCAC-3'
Protein context (NP_849144.2, residues 1186-1206): TKPPMTIIAI[Thr1196Ala]RFSRRKIPWQ

ClinVar aggregate classification (germline): Uncertain significance. Review status: criteria provided, multiple submitters, no conflicts (2 of 4 stars). 2 submissions from 2 submitters: Uncertain significance (2). Last evaluated 2025-11-25.

gnomAD v4.1: 7 of 1,613,336 alleles (0.00043%); highest among the groups gnomAD compares: Admixed American, 0.012%; no homozygotes.

Submissions (2):

Ambry Genetics
Classification: Uncertain significance. Last evaluated: 2025-11-25. Review status: criteria provided, single submitter. Criteria: Ambry Variant Classification Scheme 2023. Collection method: clinical testing. Allele origin: germline.

Labcorp Genetics (formerly Invitae), Labcorp
Classification: Uncertain significance. Last evaluated: 2025-03-23. Review status: criteria provided, single submitter. Criteria: Invitae Variant Classification Sherloc (09022015). Collection method: clinical testing. Allele origin: germline.
Comment: This sequence change replaces threonine, which is neutral and polar, with alanine, which is neutral and non-polar, at codon 1196 of the IGSF10 protein (p.Thr1196Ala). This variant is present in population databases (no rsID available, gnomAD 0.01%). This variant has not been reported in the literature in individuals affected with IGSF10-related conditions. An algorithm developed to predict the effect of missense changes on protein structure and function (PolyPhen-2) suggests that this variant is likely to be disruptive. In summary, the available evidence is currently insufficient to determine the role of this variant in disease. Therefore, it has been classified as a Variant of Uncertain Significance.